The following is an entry in ClinVar:

ClinVar aggregate classification (germline): Uncertain significance (1 of 4 stars; one submission).

Allele frequency attached by ClinVar (database versions not stated): ExAC 0.00001.
gnomAD v4.1: 4 of 1,611,212 alleles (0.00025%); highest among the groups gnomAD compares: Non-Finnish European, 0.00017%; no homozygotes.

Submission:

Labcorp Genetics (formerly Invitae), Labcorp
Classification: Uncertain significance. Last evaluated: 2022-07-29. Review status: criteria provided, single submitter. Criteria: Invitae Variant Classification Sherloc (09022015). Collection method: clinical testing. Allele origin: germline.
Comment: This sequence change affects codon 564 of the LTBP2 mRNA. It is a 'silent' change, meaning that it does not change the encoded amino acid sequence of the LTBP2 protein. This variant is present in population databases (rs760482213, gnomAD 0.0009%). This variant has not been reported in the literature in individuals affected with LTBP2-related conditions. Algorithms developed to predict the effect of sequence changes on RNA splicing suggest that this variant may disrupt the consensus splice site. In summary, the available evidence is currently insufficient to determine the role of this variant in disease. Therefore, it has been classified as a Variant of Uncertain Significance.

NM_000428.3(LTBP2):c.1692C>T (p.Ala564=)

Gene: LTBP2 (latent transforming growth factor beta binding protein 2; minus strand). Cytogenetic location: 14q24.3.
Variant type: single nucleotide variant.
Coding change: c.1692C>T on transcript NM_000428.3 (MANE Select); coding-DNA position 1692, C replaced by T.
Protein change: p.Ala564=; no amino-acid change (alanine 564 retained).
Molecular consequence: synonymous variant.
Genome position (GRCh38, 1-based): chr14:74,549,960, G>A on the plus strand (C>T on the coding strand, the complement: LTBP2 is on the minus strand). VCF-style: chr14-74549960-G-A. GRCh37 (hg19) VCF-style: chr14-75016663-G-A.
Identifiers: ClinVar variation 2020144 (VCV002020144.4), dbSNP rs760482213, ClinGen allele CA7269795.